The following is an entry in ClinVar:

ClinVar aggregate classification (germline): Uncertain significance. Review status: criteria provided, multiple submitters, no conflicts (2 of 4 stars). 2 submissions from 2 submitters: Uncertain significance (2). Last evaluated 2025-06-23.

Conditions:
Long QT syndrome (LQTS). Identifiers: MedGen C0023976, MeSH D008133, MONDO:0002442. Disease mechanism: loss of function. Inheritance: Various modes of inheritance.
Cardiovascular phenotype. Identifiers: MedGen CN230736.

Allele frequency attached by ClinVar (database versions not stated): gnomAD exomes below 0.00001 and 0.00001; gnomAD 0.00001; TOPMed 0.00001.
gnomAD v4.1: 8 of 1,613,936 alleles (0.0005%); highest among the groups gnomAD compares: Non-Finnish European, 0.00051%; no homozygotes.

Submissions (2):

Ambry Genetics
Classification: Uncertain significance for Cardiovascular phenotype. Last evaluated: 2025-06-23. Review status: criteria provided, single submitter. Criteria: Ambry Variant Classification Scheme 2023. Collection method: clinical testing. Allele origin: germline.
Comment: The p.K3400N variant (also known as c.10200G>C), located in coding exon 38 of the ANK2 gene, results from a G to C substitution at nucleotide position 10200. The lysine at codon 3400 is replaced by asparagine, an amino acid with similar properties. This amino acid position is conserved. In addition, this alteration is predicted to be tolerated by in silico analysis. Since supporting evidence is limited at this time, the clinical significance of this alteration remains unclear.

Labcorp Genetics (formerly Invitae), Labcorp
Classification: Uncertain significance for Long QT syndrome. Last evaluated: 2024-12-18. Review status: criteria provided, single submitter. Criteria: Invitae Variant Classification Sherloc (09022015). Collection method: clinical testing. Allele origin: germline.
Comment: This sequence change replaces lysine, which is basic and polar, with asparagine, which is neutral and polar, at codon 3400 of the ANK2 protein (p.Lys3400Asn). This variant is present in population databases (no rsID available, gnomAD 0.004%). This variant has not been reported in the literature in individuals affected with ANK2-related conditions. ClinVar contains an entry for this variant (Variation ID: 1021563). An algorithm developed to predict the effect of missense changes on protein structure and function (PolyPhen-2) suggests that this variant is likely to be tolerated. In summary, the available evidence is currently insufficient to determine the role of this variant in disease. Therefore, it has been classified as a Variant of Uncertain Significance.

NM_001148.6(ANK2):c.10200G>C (p.Lys3400Asn)

Gene: ANK2 (ankyrin 2; plus strand). Cytogenetic location: 4q26.
Variant type: single nucleotide variant.
Coding change: c.10200G>C on transcript NM_001148.6 (MANE Select); coding-DNA position 10200, G replaced by C.
Protein change: p.Lys3400Asn; replaces lysine 3400 with asparagine.
Molecular consequence: missense variant. On other transcripts: intron variant (68).
Genome position (GRCh38, 1-based): chr4:113,358,818, G>C. VCF-style: chr4-113358818-G-C. GRCh37 (hg19) VCF-style: chr4-114279974-G-C.
Other names: c.10200G>C (NM_001148.4); c.9966G>C, p.Lys3322Asn (NM_001386142.1); c.6600G>C, p.Lys2200Asn (NM_001386166.1); c.10341G>C, p.Lys3447Asn (NM_001386174.1); c.10317G>C, p.Lys3439Asn (NM_001386175.1); c.4412-2005G>C (NM_001386186.2, NM_001386148.2); c.4214-2005G>C (NM_001354269.3); c.4292-2005G>C (NM_001386187.2); and 36 more; short protein forms K2200N, K3322N, K3400N, K3439N, K3447N.
Identifiers: ClinVar variation 1021563 (VCV001021563.9), dbSNP rs942441867, ClinGen allele CA103817863.